The following is an entry in ClinVar:

NM_000414.4(HSD17B4):c.739+1G>A

Gene: HSD17B4 (hydroxysteroid 17-beta dehydrogenase 4; plus strand). Cytogenetic location: 5q23.1.
Variant type: single nucleotide variant.
Coding change: c.739+1G>A on transcript NM_000414.4 (MANE Select); the canonical splice donor site of the intron after coding-DNA position 739, G replaced by A.
Molecular consequence: splice donor variant.
Genome position (GRCh38, 1-based): chr5:119,492,125, G>A. VCF-style: chr5-119492125-G-A. GRCh37 (hg19) VCF-style: chr5-118827820-G-A.
Other names: c.739+1G>A (NM_000414.3, NM_001374498.1); c.328+1G>A (NM_001374503.1, NM_001374502.1, NM_001374501.1); c.814+1G>A (NM_001199291.3); c.412+1G>A (NM_001374499.1); c.298+1G>A (NM_001374500.1); c.319+1G>A (NM_001292028.2); c.667+1G>A (NM_001292027.2); c.730+1G>A (NM_001374497.1); and 1 more.
Identifiers: ClinVar variation 1066366 (VCV001066366.13), dbSNP rs1561456373, ClinGen allele CA360867133.

ClinVar aggregate classification (germline): Likely pathogenic. Review status: criteria provided, multiple submitters, no conflicts (2 of 4 stars). 3 submissions from 3 submitters: Likely pathogenic (3). Last evaluated 2024-12-13.

Conditions:
Bifunctional peroxisomal enzyme deficiency (DBIF). Also called: PBFE DEFICIENCY; DBP DEFICIENCY; D-bifunctional protein deficiency. Identifiers: Orphanet 300, MedGen C0342870, MONDO:0009855, OMIM 261515. Disease mechanism: loss of function.
Perrault syndrome. Also called: Gonadal dysgenesis with auditory dysfunction, autosomal recessive inheritance. Identifiers: Orphanet 2855, MedGen C0685838, MONDO:0017312.

Allele frequency attached by ClinVar (database versions not stated): gnomAD exomes below 0.00001; TOPMed below 0.00001.
gnomAD v4.1: 2 of 1,605,926 alleles (0.00012%); highest among the groups gnomAD compares: Non-Finnish European, 0.00017%; no homozygotes.

Submissions (4):

Natera, Inc.
Classification: Likely pathogenic for Bifunctional peroxisomal enzyme deficiency. Last evaluated: 2024-12-13. Review status: criteria provided, single submitter. Criteria: Natera Variant Classification Schema (03/2026). Collection method: clinical testing. Allele origin: germline.
Comment: The c.739+1G>A variant in HSD17B4 is a canonical splice donor site variant predicted to affect pre-mRNA splicing, which may result in an abnormal transcript and altered protein product. This variant is expected to result in nonsense mediated decay, truncation, or a dysfunctional protein product. This variant is rare in the general population with a frequency below the threshold expected for the associated phenotype(s). Given the available evidence, this variant is classified as Likely Pathogenic.

Baylor Genetics
Classification: Likely pathogenic for Bifunctional peroxisomal enzyme deficiency. Last evaluated: 2023-04-11. Review status: criteria provided, single submitter. Criteria: ACMG Guidelines, 2015. Collection method: clinical testing. Allele origin: unknown.

Labcorp Genetics (formerly Invitae), Labcorp
Classification: Likely pathogenic for Perrault syndrome; Bifunctional peroxisomal enzyme deficiency. Last evaluated: 2020-10-26. Review status: criteria provided, single submitter. Criteria: Invitae Variant Classification Sherloc (09022015). Collection method: clinical testing. Allele origin: germline.
Comment: In summary, the currently available evidence indicates that the variant is pathogenic, but additional data are needed to prove that conclusively. Therefore, this variant has been classified as Likely Pathogenic. Algorithms developed to predict the effect of sequence changes on RNA splicing suggest that this variant may disrupt the consensus splice site, but this prediction has not been confirmed by published transcriptional studies. This variant has not been reported in the literature in individuals with HSD17B4-related conditions. This variant is not present in population databases (ExAC no frequency). This sequence change affects a donor splice site in intron 10 of the HSD17B4 gene. It is expected to disrupt RNA splicing. Variants that disrupt the donor or acceptor splice site typically lead to a loss of protein function (PMID: 16199547), and loss-of-function variants in HSD17B4 are known to be pathogenic (PMID: 11810648, 16385454).

Dr. Peter K. Rogan Lab, Western University
No classification provided (evidence only). Condition: Nonpapillary renal cell carcinoma. Review status: no classification provided. Collection method: in vitro. Allele origin: not applicable. Functional consequence: retained intron. Not counted in ClinVar's aggregate classification.

Literature cited by the submitters: PubMed 16199547 (cited by Labcorp Genetics (formerly Invitae), Labcorp); PubMed 11810648 (cited by Labcorp Genetics (formerly Invitae), Labcorp); PubMed 16385454 (cited by Labcorp Genetics (formerly Invitae), Labcorp).